The following is an entry in ClinVar:

NM_000051.4(ATM):c.2909T>A (p.Leu970Gln)

Gene: ATM (ATM serine/threonine kinase; plus strand). Cytogenetic location: 11q22.3.
Variant type: single nucleotide variant.
Coding change: c.2909T>A on transcript NM_000051.4 (MANE Select); coding-DNA position 2909, T replaced by A.
Protein change: p.Leu970Gln; replaces leucine 970 with glutamine.
Molecular consequence: missense variant.
Genome position (GRCh38, 1-based): chr11:108,271,134, T>A. VCF-style: chr11-108271134-T-A. GRCh37 (hg19) VCF-style: chr11-108141861-T-A.
Other names: c.2909T>A, p.Leu970Gln (NM_001351834.2); short protein forms L970Q.
Identifiers: ClinVar variation 142526 (VCV000142526.7), dbSNP rs587782521, ClinGen allele CA168630.

ClinVar aggregate classification (germline): Uncertain significance. Review status: criteria provided, multiple submitters, no conflicts (2 of 4 stars). 3 submissions from 3 submitters: Uncertain significance (3). Last evaluated 2024-06-12.

Conditions:
Hereditary cancer-predisposing syndrome. Also called: Neoplastic Syndromes, Hereditary; Hereditary Cancer Syndrome; Hereditary neoplastic syndrome; Tumor predisposition. Identifiers: Orphanet 140162, MedGen C0027672, MeSH D009386, MONDO:0015356.
Ataxia-telangiectasia syndrome (AT). Also called: Cerebello-oculocutaneous telangiectasia; Immunodeficiency with ataxia telangiectasia; Ataxia-telangiectasia, complementation group D; AT, COMPLEMENTATION GROUP C; ATAXIA-TELANGIECTASIA, FRESNO VARIANT; ATAXIA-TELANGIECTASIA, COMPLEMENTATION GROUP A. Identifiers: Orphanet 100, MedGen C0004135, MONDO:0008840, OMIM 208900.

Submissions (3):

Color Diagnostics, LLC DBA Color Health
Classification: Uncertain significance for Hereditary cancer-predisposing syndrome. Last evaluated: 2024-06-12. Review status: criteria provided, single submitter. Criteria: ACMG Guidelines, 2015. Collection method: clinical testing. Allele origin: germline.
Comment: This missense variant replaces leucine with glutamine at codon 970 of the ATM protein. Computational prediction suggests that this variant may have deleterious impact on protein structure and function (internally defined REVEL score threshold >= 0.7, PMID: 27666373). To our knowledge, functional studies have not been reported for this variant. This variant has not been reported in individuals affected with ATM-related disorders in the literature. This variant has not been identified in the general population by the Genome Aggregation Database (gnomAD). The available evidence is insufficient to determine the role of this variant in disease conclusively. Therefore, this variant is classified as a Variant of Uncertain Significance.

Labcorp Genetics (formerly Invitae), Labcorp
Classification: Uncertain significance for Ataxia-telangiectasia syndrome. Last evaluated: 2024-04-29. Review status: criteria provided, single submitter. Criteria: Invitae Variant Classification Sherloc (09022015). Collection method: clinical testing. Allele origin: germline.
Comment: This sequence change replaces leucine, which is neutral and non-polar, with glutamine, which is neutral and polar, at codon 970 of the ATM protein (p.Leu970Gln). This variant is not present in population databases (gnomAD no frequency). This variant has not been reported in the literature in individuals affected with ATM-related conditions. ClinVar contains an entry for this variant (Variation ID: 142526). An algorithm developed to predict the effect of missense changes on protein structure and function (PolyPhen-2) suggests that this variant is likely to be disruptive. In summary, the available evidence is currently insufficient to determine the role of this variant in disease. Therefore, it has been classified as a Variant of Uncertain Significance.

Ambry Genetics
Classification: Uncertain significance for Hereditary cancer-predisposing syndrome. Last evaluated: 2024-04-26. Review status: criteria provided, single submitter. Criteria: Ambry Variant Classification Scheme 2023. Collection method: clinical testing. Allele origin: germline.
Comment: The p.L970Q variant (also known as c.2909T>A), located in coding exon 18 of the ATM gene, results from a T to A substitution at nucleotide position 2909. The leucine at codon 970 is replaced by glutamine, an amino acid with dissimilar properties. This amino acid position is highly conserved in available vertebrate species. In addition, this alteration is predicted to be deleterious by in silico analysis. Based on the available evidence, the clinical significance of this variant remains unclear.